The following is an entry in ClinVar:

ClinVar aggregate classification (germline): Uncertain significance. Review status: criteria provided, multiple submitters, no conflicts (2 of 4 stars). 2 submissions from 2 submitters: Uncertain significance (2). Last evaluated 2024-09-11.

Conditions:
Inborn genetic diseases. Identifiers: MedGen C0950123, MeSH D030342.
Nemaline myopathy 8 (NEM8). Also called: Nemaline myopathy 8, autosomal recessive. Identifiers: Orphanet 171430, MedGen C3809209, MONDO:0014138, OMIM 615348.

Allele frequency attached by ClinVar (database versions not stated): gnomAD exomes 0.00001 and 0.00002; ExAC 0.00003; 1000 Genomes Project 0.00040; 1000 Genomes Project 30x 0.00047.
gnomAD v4.1: 24 of 1,609,194 alleles (0.0015%); highest among the groups gnomAD compares: African/African-American, 0.021%; no homozygotes.

Submissions (2):

Ambry Genetics
Classification: Uncertain significance for Inborn genetic diseases. Last evaluated: 2024-09-11. Review status: criteria provided, single submitter. Criteria: Ambry Variant Classification Scheme 2023. Collection method: clinical testing. Allele origin: germline.

Labcorp Genetics (formerly Invitae), Labcorp
Classification: Uncertain significance for Nemaline myopathy 8. Last evaluated: 2021-02-22. Review status: criteria provided, single submitter. Criteria: Invitae Variant Classification Sherloc (09022015). Collection method: clinical testing. Allele origin: germline.
Comment: This sequence change replaces alanine with threonine at codon 380 of the KLHL40 protein (p.Ala380Thr). The alanine residue is moderately conserved and there is a small physicochemical difference between alanine and threonine. This variant is present in population databases (rs561674449, ExAC 0.02%). This variant has not been reported in the literature in individuals with KLHL40-related conditions. Algorithms developed to predict the effect of missense changes on protein structure and function are either unavailable or do not agree on the potential impact of this missense change (SIFT: "Deleterious"; PolyPhen-2: "Benign"; Align-GVGD: "Class C0"). In summary, the available evidence is currently insufficient to determine the role of this variant in disease. Therefore, it has been classified as a Variant of Uncertain Significance.

NM_152393.4(KLHL40):c.1138G>A (p.Ala380Thr)

Gene: KLHL40 (kelch like family member 40; plus strand). Cytogenetic location: 3p22.1.
Variant type: single nucleotide variant.
Coding change: c.1138G>A on transcript NM_152393.4 (MANE Select); coding-DNA position 1138, G replaced by A.
Protein change: p.Ala380Thr; replaces alanine 380 with threonine.
Molecular consequence: missense variant.
Genome position (GRCh38, 1-based): chr3:42,686,756, G>A. VCF-style: chr3-42686756-G-A. GRCh37 (hg19) VCF-style: chr3-42728248-G-A.
Other names: c.1138G>A (NM_152393.2); short protein forms A380T.
Identifiers: ClinVar variation 1387779 (VCV001387779.9), dbSNP rs561674449, ClinGen allele CA2336811.